The following is an entry in ClinVar:

NM_000481.4(AMT):c.*696C>T

Gene: AMT (aminomethyltransferase; minus strand). Cytogenetic location: 3p21.31.
Variant type: single nucleotide variant.
Coding change: c.*696C>T on transcript NM_000481.4 (MANE Select); 696 bases downstream of the stop codon, C replaced by T.
Molecular consequence: 3 prime UTR variant. On other transcripts: non-coding transcript variant (1).
Genome position (GRCh38, 1-based): chr3:49,416,844, G>A on the plus strand (C>T on the coding strand, the complement: AMT is on the minus strand). VCF-style: chr3-49416844-G-A. GRCh37 (hg19) VCF-style: chr3-49454277-G-A.
Other names: c.*696C>T (NM_001164710.2, NM_001164711.2); c.*500C>T (NM_001164712.2).
Identifiers: ClinVar variation 346021 (VCV000346021.6), dbSNP rs10640, ClinGen allele CA2398057.

ClinVar aggregate classification (germline): Benign. Review status: criteria provided, multiple submitters, no conflicts (2 of 4 stars). 2 submissions from 2 submitters: Benign (2). Last evaluated 2018-01-13.

Conditions:
Glycine encephalopathy. Also called: Nonketotic hyperglycinemia; Non-ketotic hyperglycinemia. Identifiers: Orphanet 407, MedGen C0751748, MONDO:0011612, HP:0008288.

Allele frequency attached by ClinVar (database versions not stated): 1000 Genomes Project 0.20647; 1000 Genomes Project 30x 0.20956; TOPMed 0.26319; gnomAD 0.28543 and 0.29031; ExAC 0.28960.

Submissions (2):

Illumina Laboratory Services, Illumina
Classification: Benign for Glycine encephalopathy 1. Last evaluated: 2018-01-13. Review status: criteria provided, single submitter. Criteria: ICSL Variant Classification Criteria 13 December 2019. Collection method: clinical testing. Allele origin: germline.
Comment: This variant was observed in the ICSL laboratory as part of a predisposition screen in an ostensibly healthy population. It had not been previously curated by ICSL or reported in the Human Gene Mutation Database (HGMD: prior to June 1st, 2018), and was therefore a candidate for classification through an automated scoring system. Utilizing variant allele frequency, disease prevalence and penetrance estimates, and inheritance mode, an automated score was calculated to assess if this variant is too frequent to cause the disease. Based on the score and internal cut-off values, a variant classified as benign is not then subjected to further curation. The score for this variant resulted in a classification of benign for this disease.

Breakthrough Genomics
Classification: Benign. Review status: criteria provided, single submitter. Criteria: ACMG Guidelines, 2015. Collection method: not provided. Allele origin: germline. Inheritance: Autosomal recessive inheritance. Affected: yes.